The following is an entry in ClinVar:

NM_022788.5(P2RY12):c.655T>C (p.Ser219Pro)

Genes: MED12L (mediator complex subunit 12L; plus strand), P2RY12 (purinergic receptor P2Y12; minus strand). Cytogenetic location: 3q25.1.
Variant type: single nucleotide variant.
Coding change: c.655T>C on transcript NM_022788.5 (MANE Select); coding-DNA position 655, T replaced by C.
Protein change: p.Ser219Pro; replaces serine 219 with proline.
Molecular consequence: missense variant. On other transcripts: intron variant (2).
Genome position (GRCh38, 1-based): chr3:151,338,191, A>G on the plus strand (T>C on the coding strand, the complement: P2RY12 is on the minus strand). VCF-style: chr3-151338191-A-G. GRCh37 (hg19) VCF-style: chr3-151055979-A-G.
Other names: c.655T>C, p.Ser219Pro (NM_176876.3); c.2251-11868A>G (NM_001393769.1); c.2146-11868A>G (NM_053002.6); short protein forms S219P.
Identifiers: ClinVar variation 1905044 (VCV001905044.5), dbSNP rs2149931111, ClinGen allele CA354980782.

ClinVar aggregate classification (germline): Uncertain significance (1 of 4 stars; one submission).

Allele frequency attached by ClinVar (database versions not stated): gnomAD exomes below 0.00001; gnomAD 0.00001.
gnomAD v4.1: 3 of 1,614,078 alleles (0.00019%); highest among the groups gnomAD compares: Middle Eastern, 0.033%; no homozygotes.

Submission:

Labcorp Genetics (formerly Invitae), Labcorp
Classification: Uncertain significance. Last evaluated: 2022-12-17. Review status: criteria provided, single submitter. Criteria: Invitae Variant Classification Sherloc (09022015). Collection method: clinical testing. Allele origin: germline.
Comment: In summary, the available evidence is currently insufficient to determine the role of this variant in disease. Therefore, it has been classified as a Variant of Uncertain Significance. Algorithms developed to predict the effect of missense changes on protein structure and function (SIFT, PolyPhen-2, Align-GVGD) all suggest that this variant is likely to be disruptive. This variant has not been reported in the literature in individuals affected with P2RY12-related conditions. This variant is not present in population databases (gnomAD no frequency). This sequence change replaces serine, which is neutral and polar, with proline, which is neutral and non-polar, at codon 219 of the P2RY12 protein (p.Ser219Pro).